The following is an entry in ClinVar:

NM_004172.5(SLC1A3):c.*33G>A

Genes: SLC1A3-AS1 (SLC1A3 antisense RNA 1; minus strand), SLC1A3 (solute carrier family 1 member 3; plus strand). Cytogenetic location: 5p13.2.
Variant type: single nucleotide variant.
Coding change: c.*33G>A on transcript NM_004172.5 (MANE Select); 33 bases downstream of the stop codon, G replaced by A.
Molecular consequence: 3 prime UTR variant.
Genome position (GRCh38, 1-based): chr5:36,686,302, G>A. VCF-style: chr5-36686302-G-A. GRCh37 (hg19) VCF-style: chr5-36686404-G-A.
Other names: c.*33G>A (NM_001166695.3, NM_001289939.2, NM_001289940.2).
Identifiers: ClinVar variation 353326 (VCV000353326.11), dbSNP rs2229894, ClinGen allele CA3235713.

ClinVar aggregate classification (germline): Benign. Review status: criteria provided, multiple submitters, no conflicts (2 of 4 stars). 4 submissions from 4 submitters: Benign (4). Last evaluated 2021-07-15.

Conditions:
Episodic ataxia type 6. Identifiers: Orphanet 209967, MedGen C2675211, MONDO:0012982, OMIM 612656.

Allele frequency attached by ClinVar (database versions not stated): ESP Exome Variant Server 0.23505; 1000 Genomes Project 30x 0.23626; TOPMed 0.25183; gnomAD 0.25443 and 0.25488; ExAC 0.29768.
gnomAD v4.1: 438,991 of 1,498,488 alleles (29%); highest among the groups gnomAD compares: Admixed American, 41%; 67,703 homozygotes.

Submissions (4):

Genome-Nilou Lab
Classification: Benign for Episodic ataxia type 6. Last evaluated: 2021-07-15. Review status: criteria provided, single submitter. Criteria: ACMG Guidelines, 2015. Collection method: clinical testing. Allele origin: germline. Affected: no.

GeneDx
Classification: Benign. Last evaluated: 2021-05-15. Review status: criteria provided, single submitter. Criteria: GeneDx Variant Classification Process June 2021. Collection method: clinical testing. Allele origin: germline. Affected: yes.

Illumina Laboratory Services, Illumina
Classification: Benign for Episodic ataxia type 6. Last evaluated: 2018-01-13. Review status: criteria provided, single submitter. Criteria: ICSL Variant Classification Criteria 13 December 2019. Collection method: clinical testing. Allele origin: germline.
Comment: This variant was observed in the ICSL laboratory as part of a predisposition screen in an ostensibly healthy population. It had not been previously curated by ICSL or reported in the Human Gene Mutation Database (HGMD: prior to June 1st, 2018), and was therefore a candidate for classification through an automated scoring system. Utilizing variant allele frequency, disease prevalence and penetrance estimates, and inheritance mode, an automated score was calculated to assess if this variant is too frequent to cause the disease. Based on the score and internal cut-off values, a variant classified as benign is not then subjected to further curation. The score for this variant resulted in a classification of benign for this disease.

Breakthrough Genomics
Classification: Benign. Review status: criteria provided, single submitter. Criteria: ACMG Guidelines, 2015. Collection method: not provided. Allele origin: germline. Inheritance: Autosomal dominant inheritance. Affected: yes.